The following is an entry in ClinVar:

NM_001166108.2(PALLD):c.3065A>C (p.Glu1022Ala)

Genes: CBR4 (carbonyl reductase 4; minus strand), PALLD (palladin, cytoskeletal associated protein; plus strand). Cytogenetic location: 4q32.3.
Variant type: single nucleotide variant.
Coding change: c.3065A>C on transcript NM_001166108.2 (MANE Select); coding-DNA position 3065, A replaced by C.
Protein change: p.Glu1022Ala; replaces glutamic acid 1022 with alanine.
Molecular consequence: missense variant.
Genome position (GRCh38, 1-based): chr4:168,924,261, A>C. VCF-style: chr4-168924261-A-C. GRCh37 (hg19) VCF-style: chr4-169845412-A-C.
Other names: c.1868A>C, p.Glu623Ala (NM_001166109.2); c.1553A>C, p.Glu518Ala (NM_001166110.2); c.893A>C, p.Glu298Ala (NM_001367567.1, NM_001367569.1); c.944A>C, p.Glu315Ala (NM_001367568.1, NM_001367570.1); c.3014A>C, p.Glu1005Ala (NM_016081.4); short protein forms E518A, E623A, E1005A, E315A, E1022A, E298A.
Identifiers: ClinVar variation 1798832 (VCV001798832.2), dbSNP rs1762154996, ClinGen allele CA358711639.
Genomic context (GRCh38, chr4:168,924,261, plus strand): 5'-TCTAGTGCTCCTTTTGTATATCATTGATAGAGAATTCATCTCATGTTTTCTTAGCTAAAG[A>C]AGCACACAAACCCCCTGTGTTTATTGAGAAGCTCCAAAACACAGGAGTTGCTGATGGGTA-3'
Protein context (NP_001159580.1, residues 1012-1032): FSLELVVAAK[Glu1022Ala]AHKPPVFIEK

ClinVar aggregate classification (germline): Uncertain significance (1 of 4 stars; one submission).

Allele frequency attached by ClinVar (database versions not stated): gnomAD exomes below 0.00001.
gnomAD v4.1: 2 of 1,613,780 alleles (0.00012%); highest among the groups gnomAD compares: Non-Finnish European, 0.00017%; no homozygotes.

Submission:

Ambry Genetics
Classification: Uncertain significance. Last evaluated: 2022-07-17. Review status: criteria provided, single submitter. Criteria: Ambry Variant Classification Scheme 2023. Collection method: clinical testing. Allele origin: germline.
Comment: The p.E1005A variant (also known as c.3014A>C), located in coding exon 17 of the PALLD gene, results from an A to C substitution at nucleotide position 3014. The glutamic acid at codon 1005 is replaced by alanine, an amino acid with dissimilar properties. This amino acid position is conserved. In addition, the in silico prediction for this alteration is inconclusive. Since supporting evidence is limited at this time, the clinical significance of this alteration remains unclear.